The following is an entry in ClinVar:

NM_001044385.3(TMEM237):c.989G>A (p.Ser330Asn)

Gene: TMEM237 (transmembrane protein 237; minus strand). Cytogenetic location: 2q33.1.
Variant type: single nucleotide variant.
Coding change: c.989G>A on transcript NM_001044385.3 (MANE Select); coding-DNA position 989, G replaced by A.
Protein change: p.Ser330Asn; replaces serine 330 with asparagine.
Molecular consequence: missense variant.
Genome position (GRCh38, 1-based): chr2:201,627,369, C>T on the plus strand (G>A on the coding strand, the complement: TMEM237 is on the minus strand). VCF-style: chr2-201627369-C-T. GRCh37 (hg19) VCF-style: chr2-202492092-C-T.
Other names: c.989G>A (NM_001044385.1); c.965G>A, p.Ser322Asn (NM_152388.4); short protein forms S322N, S330N.
Identifiers: ClinVar variation 1303640 (VCV001303640.8), dbSNP rs143081480, ClinGen allele CA2056333.

ClinVar aggregate classification (germline): Uncertain significance. Review status: criteria provided, multiple submitters, no conflicts (2 of 4 stars). 4 submissions from 4 submitters: Uncertain significance (4). Last evaluated 2025-09-16.

Conditions:
Inborn genetic diseases. Identifiers: MedGen C0950123, MeSH D030342.
Joubert syndrome 14 (JBTS14). Identifiers: MedGen C3280766, MONDO:0013745, OMIM 614424.

Allele frequency attached by ClinVar (database versions not stated): gnomAD exomes 0.00001 and 0.00004; ExAC 0.00005; gnomAD 0.00011; TOPMed 0.00014; ESP Exome Variant Server 0.00017; 1000 Genomes Project 0.00040; 1000 Genomes Project 30x 0.00047.

Submissions (4):

Labcorp Genetics (formerly Invitae), Labcorp
Classification: Uncertain significance for Joubert syndrome 14. Last evaluated: 2025-09-16. Review status: criteria provided, single submitter. Criteria: Invitae Variant Classification Sherloc (09022015). Collection method: clinical testing. Allele origin: germline.
Comment: This sequence change replaces serine, which is neutral and polar, with asparagine, which is neutral and polar, at codon 330 of the TMEM237 protein (p.Ser330Asn). This variant is present in population databases (rs143081480, gnomAD 0.04%). This variant has not been reported in the literature in individuals affected with TMEM237-related conditions. ClinVar contains an entry for this variant (Variation ID: 1303640). Invitae Evidence Modeling of protein sequence and biophysical properties (such as structural, functional, and spatial information, amino acid conservation, physicochemical variation, residue mobility, and thermodynamic stability) indicates that this missense variant is not expected to disrupt TMEM237 protein function with a negative predictive value of 80%. In summary, the available evidence is currently insufficient to determine the role of this variant in disease. Therefore, it has been classified as a Variant of Uncertain Significance.

Fulgent Genetics
Classification: Uncertain significance for Joubert syndrome 14. Last evaluated: 2024-06-18. Review status: criteria provided, single submitter. Criteria: ACMG Guidelines, 2015. Collection method: clinical testing. Allele origin: germline.

Ambry Genetics
Classification: Uncertain significance for Inborn genetic diseases. Last evaluated: 2023-12-14. Review status: criteria provided, single submitter. Criteria: Ambry Variant Classification Scheme 2023. Collection method: clinical testing. Allele origin: germline.

GeneDx
Classification: Uncertain significance. Last evaluated: 2023-07-07. Review status: criteria provided, single submitter. Criteria: GeneDx Variant Classification Process June 2021. Collection method: clinical testing. Allele origin: germline. Affected: yes.
Comment: In silico analysis supports that this missense variant does not alter protein structure/function; Has not been previously published as pathogenic or benign to our knowledge